The following is an entry in ClinVar:

ClinVar aggregate classification (germline): Likely pathogenic (1 of 4 stars; one submission).

Submission:

Mayo Clinic Laboratories, Mayo Clinic
Classification: Likely pathogenic. Last evaluated: 2022-01-26. Review status: criteria provided, single submitter. Criteria: ACMG Guidelines, 2015. Collection method: clinical testing. Allele origin: germline.
Comment: PP3, PM2, PM6_supporting, PS4_moderate

Literature cited by the submitters: PubMed 11675333; PubMed 25427142; PubMed 31321910.

NM_001972.4(ELANE):c.254G>A (p.Gly85Glu)

Gene: ELANE (elastase, neutrophil expressed; plus strand). Cytogenetic location: 19p13.3.
Variant type: single nucleotide variant.
Coding change: c.254G>A on transcript NM_001972.4 (MANE Select); coding-DNA position 254, G replaced by A.
Protein change: p.Gly85Glu; replaces glycine 85 with glutamic acid.
Molecular consequence: missense variant.
Genome position (GRCh38, 1-based): chr19:853,291, G>A. VCF-style: chr19-853291-G-A. GRCh37 (hg19) VCF-style: chr19-853291-G-A.
Other names: p.Gly85Glu; short protein forms G85E.
Identifiers: ClinVar variation 1343369 (VCV001343369.4), dbSNP rs2145145006, ClinGen allele CA402915227.